The following is an entry in ClinVar:

ClinVar aggregate classification (germline): Uncertain significance (1 of 4 stars; one submission).

Conditions:
Developmental and epileptic encephalopathy, 23 (DEE23). Also called: Epileptic encephalopathy, early infantile, 23. Identifiers: Orphanet 411986, MedGen C4014492, MONDO:0014371, OMIM 615859.

Allele frequency attached by ClinVar (database versions not stated): gnomAD exomes below 0.00001 and 0.00001; gnomAD 0.00001; TOPMed 0.00001; ExAC 0.00002; ESP Exome Variant Server 0.00015.
gnomAD v4.1: 5 of 1,612,236 alleles (0.00031%); highest among the groups gnomAD compares: Non-Finnish European, 0.00042%; no homozygotes.

Submission:

Labcorp Genetics (formerly Invitae), Labcorp
Classification: Uncertain significance for Developmental and epileptic encephalopathy, 23. Last evaluated: 2020-08-27. Review status: criteria provided, single submitter. Criteria: Invitae Variant Classification Sherloc (09022015). Collection method: clinical testing. Allele origin: germline.
Comment: Algorithms developed to predict the effect of missense changes on protein structure and function are either unavailable or do not agree on the potential impact of this missense change (SIFT: "Deleterious"; PolyPhen-2: "Benign"; Align-GVGD: "Class C0"). In summary, the available evidence is currently insufficient to determine the role of this variant in disease. Therefore, it has been classified as a Variant of Uncertain Significance. Algorithms developed to predict the effect of sequence changes on RNA splicing suggest that this variant may create or strengthen a splice site, but this prediction has not been confirmed by published transcriptional studies. This variant has not been reported in the literature in individuals with DOCK7-related conditions. This variant is present in population databases (rs377206479, ExAC 0.003%). This sequence change replaces aspartic acid with glutamic acid at codon 339 of the DOCK7 protein (p.Asp339Glu). The aspartic acid residue is highly conserved and there is a small physicochemical difference between aspartic acid and glutamic acid.

NM_001367561.1(DOCK7):c.1017T>A (p.Asp339Glu)

Gene: DOCK7 (dedicator of cytokinesis 7; minus strand). Cytogenetic location: 1p31.3.
Variant type: single nucleotide variant.
Coding change: c.1017T>A on transcript NM_001367561.1 (MANE Select); coding-DNA position 1017, T replaced by A.
Protein change: p.Asp339Glu; replaces aspartic acid 339 with glutamic acid.
Molecular consequence: missense variant.
Genome position (GRCh38, 1-based): chr1:62,634,791, A>T on the plus strand (T>A on the coding strand, the complement: DOCK7 is on the minus strand). VCF-style: chr1-62634791-A-T. GRCh37 (hg19) VCF-style: chr1-63100462-A-T.
Other names: c.1017T>A, p.Asp339Glu (NM_001271999.2, NM_001272000.2, NM_001272001.2 and 3 more transcripts); short protein forms D339E.
Identifiers: ClinVar variation 1008755 (VCV001008755.9), dbSNP rs377206479, ClinGen allele CA887061.